The following is an entry in ClinVar:

NM_000548.5(TSC2):c.1795A>G (p.Lys599Glu)

Gene: TSC2 (TSC complex subunit 2; plus strand). Cytogenetic location: 16p13.3.
Variant type: single nucleotide variant.
Coding change: c.1795A>G on transcript NM_000548.5 (MANE Select); coding-DNA position 1795, A replaced by G.
Protein change: p.Lys599Glu; replaces lysine 599 with glutamic acid.
Molecular consequence: missense variant.
Genome position (GRCh38, 1-based): chr16:2,070,534, A>G. VCF-style: chr16-2070534-A-G. GRCh37 (hg19) VCF-style: chr16-2120535-A-G.
Other names: c.1795A>G (NM_000548.3); c.1795A>G, p.Lys599Glu (NM_001077183.3, NM_001114382.3, NM_001363528.2 and 3 more transcripts); c.1684A>G, p.Lys562Glu (NM_001318827.2); c.1648A>G, p.Lys550Glu (NM_001318829.2); c.1195A>G, p.Lys399Glu (NM_001318831.2); c.1828A>G, p.Lys610Glu (NM_001318832.2); short protein forms K399E, K550E, K562E, K599E, K610E.
Identifiers: ClinVar variation 1006361 (VCV001006361.10), dbSNP rs2088139595, ClinGen allele CA394272935.

ClinVar aggregate classification (germline): Uncertain significance. Review status: criteria provided, multiple submitters, no conflicts (2 of 4 stars). 2 submissions from 2 submitters: Uncertain significance (2). Last evaluated 2023-06-17.

Conditions:
Hereditary cancer-predisposing syndrome. Also called: Hereditary neoplastic syndrome; Neoplastic Syndromes, Hereditary; Tumor predisposition; Hereditary Cancer Syndrome. Identifiers: Orphanet 140162, MedGen C0027672, MeSH D009386, MONDO:0015356.
Tuberous sclerosis 2 (TSC2). Identifiers: Orphanet 805, MedGen C1860707, MONDO:0013199, OMIM 613254.

Allele frequency attached by ClinVar (database versions not stated): gnomAD exomes below 0.00001.
gnomAD v4.1: 1 of 1,613,286 alleles (0.000062%); highest among the groups gnomAD compares: Non-Finnish European, 0.000085%; no homozygotes.

Submissions (2):

Ambry Genetics
Classification: Uncertain significance for Hereditary cancer-predisposing syndrome. Last evaluated: 2023-06-17. Review status: criteria provided, single submitter. Criteria: Ambry Variant Classification Scheme 2023. Collection method: clinical testing. Allele origin: germline.
Comment: The p.K599E variant (also known as c.1795A>G), located in coding exon 16 of the TSC2 gene, results from an A to G substitution at nucleotide position 1795. The lysine at codon 599 is replaced by glutamic acid, an amino acid with similar properties. This amino acid position is conserved. In addition, the in silico prediction for this alteration is inconclusive. Since supporting evidence is limited at this time, the clinical significance of this alteration remains unclear.

Labcorp Genetics (formerly Invitae), Labcorp
Classification: Uncertain significance for Tuberous sclerosis 2. Last evaluated: 2023-03-20. Review status: criteria provided, single submitter. Criteria: Invitae Variant Classification Sherloc (09022015). Collection method: clinical testing. Allele origin: germline.
Comment: This variant is not present in population databases (gnomAD no frequency). This sequence change replaces lysine, which is basic and polar, with glutamic acid, which is acidic and polar, at codon 599 of the TSC2 protein (p.Lys599Glu). In summary, the available evidence is currently insufficient to determine the role of this variant in disease. Therefore, it has been classified as a Variant of Uncertain Significance. Advanced modeling of protein sequence and biophysical properties (such as structural, functional, and spatial information, amino acid conservation, physicochemical variation, residue mobility, and thermodynamic stability) performed at Invitae indicates that this missense variant is not expected to disrupt TSC2 protein function. ClinVar contains an entry for this variant (Variation ID: 1006361). This variant has not been reported in the literature in individuals affected with TSC2-related conditions.